The following is an entry in ClinVar:

NM_001374353.1(GLI2):c.1183-12C>T

Gene: GLI2 (GLI family zinc finger 2; plus strand). Cytogenetic location: 2q14.2.
Variant type: single nucleotide variant.
Coding change: c.1183-12C>T on transcript NM_001374353.1 (MANE Select); 12 bases into the intron before coding-DNA position 1183, C replaced by T.
Molecular consequence: intron variant. On other transcripts: missense variant (2).
Genome position (GRCh38, 1-based): chr2:120,974,963, C>T. VCF-style: chr2-120974963-C-T. GRCh37 (hg19) VCF-style: chr2-121732539-C-T.
Other names: c.1222C>T, p.Pro408Ser (NM_001371271.1, NM_005270.5); c.808-12C>T (NM_001374354.1); short protein forms P408S.
Identifiers: ClinVar variation 2584956 (VCV002584956.1), dbSNP rs2467712063, ClinGen allele CA348161007.

ClinVar aggregate classification (germline): Uncertain significance (1 of 4 stars; one submission).

Conditions:
Holoprosencephaly 9 (HPE9). Also called: PITUITARY ANOMALIES WITH HOLOPROSENCEPHALY-LIKE FEATURES; HOLOPROSENCEPHALY WITH MICROPHTHALMIA AND FIRST BRANCHIAL ARCH ANOMALIES. Identifiers: Orphanet 2162, MedGen C1835819, MONDO:0012563, OMIM 610829.

Allele frequency attached by ClinVar (database versions not stated): gnomAD exomes 0.00001.
gnomAD v4.1: 3 of 1,614,234 alleles (0.00019%); highest among the groups gnomAD compares: South Asian, 0.0033%; no homozygotes.

Submission:

Neuberg Centre For Genomic Medicine, NCGM
Classification: Uncertain significance for Holoprosencephaly 9. Review status: criteria provided, single submitter. Criteria: ACMG Guidelines, 2015. Collection method: clinical testing. Allele origin: germline. Inheritance: Autosomal dominant inheritance. Affected: yes.
Comment: The missense variant c.1222C>T (p.Pro408Ser) in GLI2 gene has not been reported previously as a pathogenic variant nor as a benign variant, to our knowledge. This variant has not been reported to the ClinVar database. The p.Pro408Ser variant is novel (not in any individuals) in gnomAD Exomes and 1000 Genomes. The amino acid change p.Pro408Ser in GLI2 is predicted as conserved by GERP++ and PhyloP across 100 vertebrates. The amino acid Pro at position 408 is changed to a Ser changing protein sequence and it might alter its composition and physico-chemical properties. The variant is predicted to be damaging by SIFT and the residue is conserved across species. For these reasons, this variant has been classified as Uncertain Significance.